The following is an entry in ClinVar:

NM_194436.3(LDHD):c.7C>T (p.Arg3Ter)

Gene: LDHD (lactate dehydrogenase D; minus strand). Cytogenetic location: 16q23.1.
Variant type: single nucleotide variant.
Coding change: c.7C>T on transcript NM_194436.3 (MANE Select); coding-DNA position 7, C replaced by T.
Protein change: p.Arg3Ter; replaces arginine 3 with a stop codon.
Molecular consequence: nonsense.
Genome position (GRCh38, 1-based): chr16:75,116,714, G>A on the plus strand (C>T on the coding strand, the complement: LDHD is on the minus strand). VCF-style: chr16-75116714-G-A. GRCh37 (hg19) VCF-style: chr16-75150612-G-A.
Other names: c.7C>T, p.Arg3Ter (NM_153486.4); short protein forms R3*.
Identifiers: ClinVar variation 3603277 (VCV003603277.1).
Genomic context (GRCh38, chr16:75,116,714, plus strand): 5'-CCTTCTGGGAGCAGTAGCCCCTCCAGGGGAACAGCTCCCAGGTTGCAGACCTGAGCAGTC[G>A]GGCCATAGCCAGGCACTGGCCAGAGGGTGTGAGCACTGGGTGGCAGGGTGACCAGTCAGC-3'

ClinVar aggregate classification (germline): Uncertain significance (1 of 4 stars; one submission).

Conditions:
Lactic aciduria due to D-lactic acid. Identifiers: MedGen C5193006, MONDO:0009505, OMIM 245450.

Submission:

Neuberg Centre For Genomic Medicine, NCGM
Classification: Uncertain significance for Lactic aciduria due to D-lactic acid. Review status: criteria provided, single submitter. Criteria: ACMG Guidelines, 2015. Collection method: clinical testing. Allele origin: germline. Inheritance: Autosomal recessive inheritance. Affected: yes.
Comment: The observed stop gained c.7C>T (p.Arg3Ter) variant in LDHD gene has not been reported previously as a pathogenic variant nor as a benign variant, to our knowledge. The p.Arg3Ter variant is present with allele frequency of 0.0009% in gnomAD Exomes. This variant has not been submitted to the ClinVar database. Computational evidence (Mutation Taster - Disease causing) predicts damaging effect on protein structure and function for this variant. As loss of function is not a known mechanism of this gene, this variant is classified as Variant of Uncertain significance (VUS).